The following is an entry in ClinVar:

NM_022356.4(P3H1):c.2076C>G (p.Asp692Glu)

Gene: P3H1 (prolyl 3-hydroxylase 1; minus strand). Cytogenetic location: 1p34.2.
Variant type: single nucleotide variant.
Coding change: c.2076C>G on transcript NM_022356.4 (MANE Select); coding-DNA position 2076, C replaced by G.
Protein change: p.Asp692Glu; replaces aspartic acid 692 with glutamic acid.
Molecular consequence: missense variant. On other transcripts: 3 prime UTR variant (2).
Genome position (GRCh38, 1-based): chr1:42,746,832, G>C on the plus strand (C>G on the coding strand, the complement: P3H1 is on the minus strand). VCF-style: chr1-42746832-G-C. GRCh37 (hg19) VCF-style: chr1-43212503-G-C.
Other names: c.*1C>G (NM_001146289.2); c.*80C>G (NM_001243246.2); short protein forms D692E.
Identifiers: ClinVar variation 452730 (VCV000452730.2), dbSNP rs1383357893, ClinGen allele CA339951062.

ClinVar aggregate classification (germline): Uncertain significance (1 of 4 stars; one submission).

Submission:

GeneDx
Classification: Uncertain significance. Last evaluated: 2017-10-12. Review status: criteria provided, single submitter. Criteria: GeneDx Variant Classification (06012015). Collection method: clinical testing. Allele origin: germline. Affected: yes.
Comment: The D692E variant has not been published as a pathogenic variant, nor has it been reported as a benign variant to our knowledge. The D692E variant is not observed in large population cohorts (Lek et al., 2016). The D692E variant is a conservative amino acid substitution, which is not likely to impact secondary protein structure as these residues share similar properties. This substitution occurs at a position that is conserved across species and in silico analysis predicts this variant is probably damaging to the protein structure/function. In summary, based on the currently available information, it is unclear whether this variant is a pathogenic variant or a rare benign variant.